The following is an entry in ClinVar:

ClinVar aggregate classification (germline): Pathogenic (1 of 4 stars; one submission).

Conditions:
Bardet-Biedl syndrome (BBS). Identifiers: Orphanet 110, MedGen C0752166, MONDO:0015229.

Submission:

Labcorp Genetics (formerly Invitae), Labcorp
Classification: Pathogenic for Bardet-Biedl syndrome. Last evaluated: 2023-05-23. Review status: criteria provided, single submitter. Criteria: Invitae Variant Classification Sherloc (09022015). Collection method: clinical testing. Allele origin: germline.
Comment: For these reasons, this variant has been classified as Pathogenic. This variant disrupts a region of the BBS10 protein in which other variant(s) (p.Arg709*) have been determined to be pathogenic (PMID: 29666954). This suggests that this is a clinically significant region of the protein, and that variants that disrupt it are likely to be disease-causing. This variant has not been reported in the literature in individuals affected with BBS10-related conditions. This variant is not present in population databases (gnomAD no frequency). This sequence change creates a premature translational stop signal (p.Glu162Argfs*6) in the BBS10 gene. While this is not anticipated to result in nonsense mediated decay, it is expected to disrupt the last 562 amino acid(s) of the BBS10 protein.

Literature cited by the submitters: PubMed 29666954.

NM_024685.4(BBS10):c.483dup (p.Glu162fs)

Gene: BBS10 (Bardet-Biedl syndrome 10; minus strand). Cytogenetic location: 12q21.2.
Variant type: Duplication.
Coding change: c.483dup on transcript NM_024685.4 (MANE Select); coding-DNA position 483, one base duplicated (A; older notation c.483dupA).
Protein change: p.Glu162fs; shifts the reading frame from glutamic acid 162.
Molecular consequence: frameshift variant.
Genome position (GRCh38, 1-based): chr12:76,347,502, T duplicated on the plus strand (A on the coding strand, the reverse complement: BBS10 is on the minus strand); the first of 3 consecutive T bases (chr12:76,347,502-76,347,504); duplicating any one gives the same sequence. VCF-style (leftmost placement, unchanged base first): chr12-76347501-C-CT. GRCh37 (hg19) VCF-style: chr12-76741281-C-CT.
Other names: short protein forms E162fs.
Identifiers: ClinVar variation 2864451 (VCV002864451.3), dbSNP rs2540956819, ClinGen allele CA2739272197.